The following is an entry in ClinVar:

ClinVar aggregate classification (germline): Pathogenic (1 of 4 stars; one submission).

Conditions:
Familial adenomatous polyposis 1 (FAP1). Also called: FAMILIAL ADENOMATOUS POLYPOSIS 1, ATTENUATED; POLYPOSIS, ADENOMATOUS INTESTINAL. Identifiers: MedGen C2713442, MONDO:0021056, OMIM 175100. Disease mechanism: loss of function.

Submission:

Myriad Genetics, Inc.
Classification: Pathogenic for Familial adenomatous polyposis 1. Last evaluated: 2023-05-03. Review status: criteria provided, single submitter. Criteria: Myriad Autosomal Dominant, Autosomal Recessive and X-Linked Classification Criteria (2023). Collection method: clinical testing. Allele origin: unknown.
Comment: This variant is considered pathogenic. This variant creates a frameshift predicted to result in premature protein truncation.

NM_000038.6(APC):c.2016del (p.His672fs)

Gene: APC (APC regulator of Wnt signaling pathway; plus strand). Cytogenetic location: 5q22.2.
Variant type: Deletion.
Coding change: c.2016del on transcript NM_000038.6 (MANE Select); coding-DNA position 2016, one base deleted (T; older notation c.2016delT).
Protein change: p.His672fs; shifts the reading frame from histidine 672.
Molecular consequence: frameshift variant. On other transcripts: non-coding transcript variant (2).
Genome position (GRCh38, 1-based): chr5:112,837,610, T deleted. VCF-style (leftmost placement, unchanged base first): chr5-112837609-AT-A. GRCh37 (hg19) VCF-style: chr5-112173306-AT-A.
Other names: c.2016del, p.His672fs (NM_001127510.3, NM_001354895.2, NM_001407450.1); c.1962del, p.His654fs (NM_001127511.3); c.2070del, p.His690fs (NM_001354896.2, NM_001407447.1, NM_001407448.1 and 1 more transcripts); c.2046del, p.His682fs (NM_001354897.2); c.1941del, p.His647fs (NM_001354898.2); c.1932del, p.His644fs (NM_001354899.2); c.1893del, p.His631fs (NM_001354900.2); c.1839del, p.His613fs (NM_001354901.2, NM_001407453.1); and 11 more; short protein forms H288fs, H389fs, H512fs, H543fs, H546fs, H571fs, H581fs, H589fs.
Identifiers: ClinVar variation 2583875 (VCV002583875.2), dbSNP rs2533391388, ClinGen allele CA2582341419.